The following is an entry in ClinVar:

NM_001349253.2(SCN11A):c.2840A>G (p.Tyr947Cys)

Gene: SCN11A (sodium voltage-gated channel alpha subunit 11; minus strand). Cytogenetic location: 3p22.2.
Variant type: single nucleotide variant.
Coding change: c.2840A>G on transcript NM_001349253.2 (MANE Select); coding-DNA position 2840, A replaced by G.
Protein change: p.Tyr947Cys; replaces tyrosine 947 with cysteine.
Molecular consequence: missense variant.
Genome position (GRCh38, 1-based): chr3:38,886,234, T>C on the plus strand (A>G on the coding strand, the complement: SCN11A is on the minus strand). VCF-style: chr3-38886234-T-C. GRCh37 (hg19) VCF-style: chr3-38927725-T-C.
Other names: c.2840A>G (NM_014139.2); c.2840A>G, p.Tyr947Cys (NM_014139.3); short protein forms Y947C.
Identifiers: ClinVar variation 2950316 (VCV002950316.4), dbSNP rs138227300, ClinGen allele CA2321942.

ClinVar aggregate classification (germline): Uncertain significance. Review status: criteria provided, multiple submitters, no conflicts (2 of 4 stars). 2 submissions from 2 submitters: Uncertain significance (2). Last evaluated 2026-02-18.

Conditions:
SCN11A-related disorder. Also called: SCN11A-related condition.
Hereditary sensory and autonomic neuropathy type 7. Also called: Neuropathy, hereditary sensory and autonomic, type VII; HSAN VII. Identifiers: Orphanet 391397, MedGen C3809882, MONDO:0014244, OMIM 615548.
Familial episodic pain syndrome with predominantly lower limb involvement. Also called: Episodic pain syndrome, familial, 3. Identifiers: Orphanet 391384, Orphanet 391392, MedGen C3809899, MONDO:0014247, OMIM 615552.

Allele frequency attached by ClinVar (database versions not stated): gnomAD exomes below 0.00001; ExAC 0.00002; TOPMed 0.00002; gnomAD 0.00003; ESP Exome Variant Server 0.00008.
gnomAD v4.1: 10 of 1,605,842 alleles (0.00062%); highest among the groups gnomAD compares: African/African-American, 0.0054%; no homozygotes.

Submissions (2):

PreventionGenetics, part of Exact Sciences
Classification: Uncertain significance for SCN11A-related condition. Last evaluated: 2026-02-18. Review status: criteria provided, single submitter. Criteria: ACMG Guidelines, 2015. Collection method: clinical testing. Allele origin: germline.
Comment: The SCN11A c.2840A>G variant is predicted to result in the amino acid substitution p.Tyr947Cys. To our knowledge, this variant has not been reported in the literature. This variant is reported in 0.0040% of alleles in individuals of African descent in gnomAD. At this time, the clinical significance of this variant is uncertain due to the absence of conclusive functional and genetic evidence.

Labcorp Genetics (formerly Invitae), Labcorp
Classification: Uncertain significance for Familial episodic pain syndrome with predominantly lower limb involvement; Hereditary sensory and autonomic neuropathy type 7. Last evaluated: 2024-12-16. Review status: criteria provided, single submitter. Criteria: Invitae Variant Classification Sherloc (09022015). Collection method: clinical testing. Allele origin: germline.
Comment: This sequence change replaces tyrosine, which is neutral and polar, with cysteine, which is neutral and slightly polar, at codon 947 of the SCN11A protein (p.Tyr947Cys). The frequency data for this variant in the population databases is considered unreliable, as metrics indicate poor data quality at this position in the gnomAD database. This variant has not been reported in the literature in individuals affected with SCN11A-related conditions. ClinVar contains an entry for this variant (Variation ID: 2950316). An algorithm developed to predict the effect of missense changes on protein structure and function outputs the following: PolyPhen-2: "Benign". The cysteine amino acid residue is found in multiple mammalian species, which suggests that this missense change does not adversely affect protein function. In summary, the available evidence is currently insufficient to determine the role of this variant in disease. Therefore, it has been classified as a Variant of Uncertain Significance.